The following is an entry in ClinVar:

ClinVar aggregate classification (germline): Likely pathogenic (1 of 4 stars; one submission).

Conditions:
Cardiovascular phenotype. Identifiers: MedGen CN230736.

Submission:

Ambry Genetics
Classification: Likely pathogenic for Cardiovascular phenotype. Last evaluated: 2025-11-04. Review status: criteria provided, single submitter. Criteria: Ambry Variant Classification Scheme 2023. Collection method: clinical testing. Allele origin: germline.
Comment: The c.18268delG variant, located in coding exon 73 of the TTN gene, results from a deletion of one nucleotide at nucleotide position 18268, causing a translational frameshift with a predicted alternate stop codon (p.D6090Mfs*22). This exon is located in the I-band region of the N2-B isoform of the titin protein and is constitutively expressed in TTN transcripts (percent spliced in or PSI 100%). This variant is expected to result in loss of function by premature protein truncation or nonsense-mediated mRNA decay. While truncating variants in TTN are present in 1-3% of the general population, truncating variants in the A-band are the most common cause of dilated cardiomyopathy (Herman DS et al. N. Engl. J. Med., 2012 Feb;366:619-28; Roberts AM et al. Sci Transl Med, 2015 Jan;7:270ra6). TTN truncating variants encoded in constitutive exons (PSI >90%) have been found to be significantly associated with DCM regardless of their position in titin (Schafer S et al. Nat. Genet., 2017 01;49:46-53; Akhtar MM et al. Circ Heart Fail, 2020 Oct;13:e006832; Massier M et al. Clin Genet, 2025 Jan). This variant is considered to be rare based on population cohorts in the Genome Aggregation Database (gnomAD). Based on the majority of available evidence to date, this variant is likely to be pathogenic.

NM_001267550.2(TTN):c.45463del (p.Asp15155fs)

Genes: TTN (titin; minus strand), LOC126806427 (BRD4-independent group 4 enhancer GRCh37_chr2:179485777-179486976; plus strand). Cytogenetic location: 2q31.2.
Variant type: Deletion.
Coding change: c.45463del on transcript NM_001267550.2 (MANE Select); coding-DNA position 45463, one base deleted (G; older notation c.45463delG).
Protein change: p.Asp15155fs; shifts the reading frame from aspartic acid 15155.
Molecular consequence: frameshift variant.
Genome position (GRCh38, 1-based): chr2:178,621,255, C deleted on the plus strand (G on the coding strand, the reverse complement: TTN is on the minus strand); the first of 3 consecutive C bases (chr2:178,621,255-178,621,257); deleting any one gives the same sequence. VCF-style (leftmost placement, unchanged base first): chr2-178621254-TC-T. GRCh37 (hg19) VCF-style: chr2-179485981-TC-T.
Other names: c.40540del, p.Asp13514fs (NM_001256850.1); c.18268del, p.Asp6090fs (NM_003319.4); c.37759del, p.Asp12587fs (NM_133378.4); c.18643del, p.Asp6215fs (NM_133432.3); c.18844del, p.Asp6282fs (NM_133437.4); c.18268delG (NM_003319.4); short protein forms D12587fs, D13514fs, D6090fs, D6282fs, D15155fs, D6215fs.
Identifiers: ClinVar variation 4615347 (VCV004615347.1).